The following is an entry in ClinVar:

ClinVar aggregate classification (germline): Uncertain significance. Review status: criteria provided, single submitter (1 of 4 stars). 2 submissions from 2 submitters: Uncertain significance (1). 1 of the submissions does not count toward it. Last evaluated 2022-03-09.

Conditions:
Nemaline myopathy 2 (NEM2). Also called: Nemaline myopathy 2, autosomal recessive. Identifiers: MedGen C1850569, MONDO:0009725, OMIM 256030.

Allele frequency attached by ClinVar (database versions not stated): TOPMed 0.00001; gnomAD 0.00002; gnomAD exomes 0.00006; ESP Exome Variant Server 0.00008.
gnomAD v4.1: 87 of 1,612,490 alleles (0.0054%); highest among the groups gnomAD compares: Non-Finnish European, 0.0071%; no homozygotes.

Submissions (2):

Labcorp Genetics (formerly Invitae), Labcorp
Classification: Uncertain significance for Nemaline myopathy 2. Last evaluated: 2022-03-09. Review status: criteria provided, single submitter. Criteria: Invitae Variant Classification Sherloc (09022015). Collection method: clinical testing. Allele origin: germline.
Comment: This sequence change replaces aspartic acid, which is acidic and polar, with asparagine, which is neutral and polar, at codon 5797 of the NEB protein (p.Asp5797Asn). The frequency data for this variant in the population databases is considered unreliable, as metrics indicate poor data quality at this position in the gnomAD database. This variant has not been reported in the literature in individuals affected with NEB-related conditions. ClinVar contains an entry for this variant (Variation ID: 950272). Algorithms developed to predict the effect of missense changes on protein structure and function are either unavailable or do not agree on the potential impact of this missense change (SIFT: "Deleterious"; PolyPhen-2: "Not Available"; Align-GVGD: "Class C0"). In summary, the available evidence is currently insufficient to determine the role of this variant in disease. Therefore, it has been classified as a Variant of Uncertain Significance.

Natera, Inc.
Classification: Uncertain significance for Nemaline myopathy type 2. Last evaluated: 2020-02-20. Review status: no assertion criteria provided. Collection method: clinical testing. Allele origin: germline. Not counted in ClinVar's aggregate classification.

NM_001164508.2(NEB):c.17389G>A (p.Asp5797Asn)

Gene: NEB (nebulin; minus strand). Cytogenetic location: 2q23.3.
Variant type: single nucleotide variant.
Coding change: c.17389G>A on transcript NM_001164508.2 (MANE Select); coding-DNA position 17389, G replaced by A.
Protein change: p.Asp5797Asn; replaces aspartic acid 5797 with asparagine.
Molecular consequence: missense variant.
Genome position (GRCh38, 1-based): chr2:151,570,122, C>T on the plus strand (G>A on the coding strand, the complement: NEB is on the minus strand). VCF-style: chr2-151570122-C-T. GRCh37 (hg19) VCF-style: chr2-152426636-C-T.
Other names: c.17389G>A, p.Asp5797Asn (NM_001164507.2, NM_001271208.2); c.12286G>A, p.Asp4096Asn (NM_004543.5); short protein forms D5797N, D4096N.
Identifiers: ClinVar variation 950272 (VCV000950272.7), dbSNP rs375143141, ClinGen allele CA1908233.
Genomic context (GRCh38, chr2:151,570,122, plus strand): 5'-CCAAATGCAGCCCACTCACATCGCTCTGCAGTTCGTAGGCCTTCTTGGCCTGAATCACAT[C>T]GTTCTGGTCGGGCATGCAGGTCCACTGGTGCAGGTAATTGCGGTAATCCATGTCACTGAC-3'
Protein context (NP_001157980.2, residues 5787-5807): HQWTCMPDQN[Asp5797Asn]VIQAKKAYEL